The following is an entry in ClinVar:

ClinVar aggregate classification (germline): Uncertain significance (1 of 4 stars; one submission).

Submission:

Ambry Genetics
Classification: Uncertain significance. Last evaluated: 2021-12-11. Review status: criteria provided, single submitter. Criteria: Ambry Variant Classification Scheme 2023. Collection method: clinical testing. Allele origin: germline.
Comment: The p.H266P variant (also known as c.797A>C), located in coding exon 1 of the EGLN2 gene, results from an A to C substitution at nucleotide position 797. The histidine at codon 266 is replaced by proline, an amino acid with similar properties. This amino acid position is conserved. In addition, the in silico prediction for this alteration is inconclusive. Since supporting evidence is limited at this time, the clinical significance of this alteration remains unclear.

NM_080732.4(EGLN2):c.797A>C (p.His266Pro)

Genes: EGLN2 (egl-9 family hypoxia inducible factor 2; plus strand), RAB4B-EGLN2 (RAB4B-EGLN2 readthrough (NMD candidate); plus strand). Cytogenetic location: 19q13.2.
Variant type: single nucleotide variant.
Coding change: c.797A>C on transcript NM_080732.4 (MANE Select); coding-DNA position 797, A replaced by C.
Protein change: p.His266Pro; replaces histidine 266 with proline.
Molecular consequence: missense variant. On other transcripts: non-coding transcript variant (1).
Genome position (GRCh38, 1-based): chr19:40,801,369, A>C. VCF-style: chr19-40801369-A-C. GRCh37 (hg19) VCF-style: chr19-41307274-A-C.
Other names: c.797A>C, p.His266Pro (NM_053046.4); short protein forms H266P.
Identifiers: ClinVar variation 1761443 (VCV001761443.2), dbSNP rs2515995689, ClinGen allele CA405955997.